The following is an entry in ClinVar:

ClinVar aggregate classification (germline): Pathogenic (1 of 4 stars; one submission).

Conditions:
Neurofibromatosis, type 1 (NF1). Also called: Neurofibromatosis, type I; VON RECKLINGHAUSEN DISEASE; NEUROFIBROMATOSIS, TYPE I, SOMATIC; Peripheral type neurofibromatosis. Identifiers: Orphanet 636, MedGen C0027831, MONDO:0018975, OMIM 162200. Disease mechanism: loss of function.

Submission:

Labcorp Genetics (formerly Invitae), Labcorp
Classification: Pathogenic for Neurofibromatosis, type 1. Last evaluated: 2023-03-31. Review status: criteria provided, single submitter. Criteria: Invitae Variant Classification Sherloc (09022015). Collection method: clinical testing. Allele origin: germline.
Comment: This variant is not present in population databases (gnomAD no frequency). This variant results in the deletion of part of exon 53 of the NF1 gene. It is expected to disrupt RNA splicing. Variants that disrupt the donor or acceptor splice site typically lead to a loss of protein function (PMID: 16199547), and loss-of-function variants in NF1 are known to be pathogenic (PMID: 10712197, 23913538). This variant has been observed in individual(s) with neurofibromatosis type 1 (Invitae). For these reasons, this variant has been classified as Pathogenic. Algorithms developed to predict the effect of sequence changes on RNA splicing suggest that this variant may disrupt the consensus splice site.

Literature cited by the submitters: PubMed 16199547; PubMed 10712197; PubMed 23913538.

NM_001042492.3(NF1):c.7969_7970+2del

Gene: NF1 (neurofibromin 1; plus strand). Cytogenetic location: 17q11.2.
Variant type: Deletion.
Coding change: c.7969_7970+2del on transcript NM_001042492.3 (MANE Select); coding-DNA position 7969 through the canonical splice donor site of the intron after coding-DNA position 7970, 4 bases deleted (GTGT; older notation c.7969_7970+2delGTGT).
Molecular consequence: splice donor variant.
Genome position (GRCh38, 1-based): chr17:31,357,368-31,357,371, GTGT deleted; deleting any 4 consecutive bases within chr17:31,357,367-31,357,371 gives the same sequence; the c. name uses the placement nearest the transcript's 3' end. VCF-style (leftmost placement, unchanged base first): chr17-31357366-TTGTG-T. GRCh37 (hg19) VCF-style: chr17-29684384-TTGTG-T.
Other names: c.7906_7907+2del (NM_000267.4).
Identifiers: ClinVar variation 2840392 (VCV002840392.3), dbSNP rs1597867032, ClinGen allele CA2739267298.